The following is an entry in ClinVar:

ClinVar aggregate classification (germline): Uncertain significance (1 of 4 stars; one submission).

Conditions:
Familial focal epilepsy with variable foci (FPEVF). Identifiers: Orphanet 98820, MedGen C1858477, MONDO:0020310.

Submission:

Labcorp Genetics (formerly Invitae), Labcorp
Classification: Uncertain significance for Familial focal epilepsy with variable foci. Last evaluated: 2024-06-05. Review status: criteria provided, single submitter. Criteria: Invitae Variant Classification Sherloc (09022015). Collection method: clinical testing. Allele origin: germline.
Comment: This sequence change replaces cysteine, which is neutral and slightly polar, with glycine, which is neutral and non-polar, at codon 1370 of the DEPDC5 protein (p.Cys1370Gly). The frequency data for this variant in the population databases is considered unreliable, as metrics indicate poor data quality at this position in the gnomAD database. This variant has not been reported in the literature in individuals affected with DEPDC5-related conditions. Experimental studies and prediction algorithms are not available or were not evaluated, and the functional significance of this variant is currently unknown. In summary, the available evidence is currently insufficient to determine the role of this variant in disease. Therefore, it has been classified as a Variant of Uncertain Significance.

NM_001242896.3(DEPDC5):c.4108T>G (p.Cys1370Gly)

Gene: DEPDC5 (DEP domain containing 5, GATOR1 subcomplex subunit; plus strand). Cytogenetic location: 22q12.3.
Variant type: single nucleotide variant.
Coding change: c.4108T>G on transcript NM_001242896.3 (MANE Select); coding-DNA position 4108, T replaced by G.
Protein change: p.Cys1370Gly; replaces cysteine 1370 with glycine.
Molecular consequence: missense variant. On other transcripts: non-coding transcript variant (5).
Genome position (GRCh38, 1-based): chr22:31,893,656, T>G. VCF-style: chr22-31893656-T-G. GRCh37 (hg19) VCF-style: chr22-32289642-T-G.
Other names: c.4081T>G, p.Cys1361Gly (NM_001136029.4); c.3808T>G, p.Cys1270Gly (NM_001242897.2); c.4042T>G, p.Cys1348Gly (NM_001363852.2, NM_001364320.2); c.3874T>G, p.Cys1292Gly (NM_001363854.2, NM_001364319.2); c.4108T>G, p.Cys1370Gly (NM_001364318.2); c.4024T>G, p.Cys1342Gly (NM_001369901.1, NM_001369902.1); c.4015T>G, p.Cys1339Gly (NM_001369903.1, NM_014662.6); short protein forms C1339G, C1342G, C1348G, C1361G, C1370G, C1270G, C1292G.
Identifiers: ClinVar variation 3730814 (VCV003730814.2).